The following is an entry in ClinVar:

ClinVar aggregate classification (germline): Likely benign (1 of 4 stars; one submission).

Conditions:
Polycystic liver disease 2 (PCLD2). Also called: Polycystic liver disease 2 with or without kidney cysts. Identifiers: Orphanet 2924, MedGen C4310769, MONDO:0014860, OMIM 617004.

Allele frequency attached by ClinVar (database versions not stated): 1000 Genomes Project 0.00100; 1000 Genomes Project 30x 0.00094; TOPMed 0.00017.
gnomAD v4.1: 35 of 204,210 alleles (0.017%); highest among the groups gnomAD compares: East Asian, 0.28%; no homozygotes.

Submission:

Illumina Laboratory Services, Illumina
Classification: Likely benign for Polycystic liver disease 2. Last evaluated: 2018-01-13. Review status: criteria provided, single submitter. Criteria: ICSL Variant Classification Criteria 13 December 2019. Collection method: clinical testing. Allele origin: germline.
Comment: This variant was observed in the ICSL laboratory as part of a predisposition screen in an ostensibly healthy population. It had not been previously curated by ICSL or reported in the Human Gene Mutation Database (HGMD: prior to June 1st, 2018), and was therefore a candidate for classification through an automated scoring system. Utilizing variant allele frequency, disease prevalence and penetrance estimates, and inheritance mode, an automated score was calculated to assess if this variant is too frequent to cause the disease. Based on the score and internal cut-off values, a variant classified as likely benign is not then subjected to further curation. The score for this variant resulted in a classification of likely benign for this disease.

NM_007214.5(SEC63):c.*396T>A

Gene: SEC63 (SEC63 homolog, protein translocation regulator; minus strand). Cytogenetic location: 6q21.
Variant type: single nucleotide variant.
Coding change: c.*396T>A on transcript NM_007214.5 (MANE Select); 396 bases downstream of the stop codon, T replaced by A.
Molecular consequence: 3 prime UTR variant.
Genome position (GRCh38, 1-based): chr6:107,871,308, A>T on the plus strand (T>A on the coding strand, the complement: SEC63 is on the minus strand). VCF-style: chr6-107871308-A-T. GRCh37 (hg19) VCF-style: chr6-108192512-A-T.
Identifiers: ClinVar variation 354883 (VCV000354883.5), dbSNP rs368205255, ClinGen allele CA10622657.
Genomic context (GRCh38, chr6:107,871,308, plus strand): 5'-TTATCAAGAGATTATCAACTTGAGCGATGTTACTTAAACTTGAGCGATGTTACTTAAAAC[A>T]TATTTGTGGTGTTTGCTAAAACTAAAGCTGAACAAAGAAAAGTCGCTCATTTACAGACTG-3'